The following is an entry in ClinVar:

NM_001042545.2(LTBP4):c.2175C>T (p.Cys725=)

Gene: LTBP4 (latent transforming growth factor beta binding protein 4; plus strand). Cytogenetic location: 19q13.2.
Variant type: single nucleotide variant.
Coding change: c.2175C>T on transcript NM_001042545.2 (MANE Select); coding-DNA position 2175, C replaced by T.
Protein change: p.Cys725=; no amino-acid change (cysteine 725 retained).
Molecular consequence: synonymous variant.
Genome position (GRCh38, 1-based): chr19:40,611,980, C>T. VCF-style: chr19-40611980-C-T. GRCh37 (hg19) VCF-style: chr19-41117886-C-T.
Other names: c.2376C>T, p.Cys792= (NM_001042544.1); c.2265C>T, p.Cys755= (NM_003573.2).
Identifiers: ClinVar variation 226720 (VCV000226720.20), dbSNP rs141810975, ClinGen allele CA9448546.
Genomic context (GRCh38, chr19:40,611,980, plus strand): 5'-AGGCAGCTTCCAGTGTGTCTGCCCCATGGGCTTCCAACCCAACACTGCTGGCTCCGAGTG[C>T]GAGGGTGAGGCCGGGGAGGGAGGGAGGAGTGTGGATGGGTGAGGGGGGAGTTGGACCACT-3'
Protein context (NP_001036010.1, residues 715-735): GFQPNTAGSE[Cys725=]EDVDECENHL

ClinVar aggregate classification (germline): Benign. Review status: criteria provided, multiple submitters, no conflicts (2 of 4 stars). 5 submissions from 5 submitters: Benign (4). 1 of the submissions does not count toward it. Last evaluated 2026-01-31.

Conditions:
LTBP4-related disorder. Also called: LTBP4-related condition.
Cutis laxa with severe pulmonary, gastrointestinal and urinary anomalies. Also called: Cutis laxa, autosomal recessive, type IC; LTBP4-Related Cutis Laxa; URBAN-RIFKIN-DAVIS SYNDROME. Identifiers: Orphanet 221145, MedGen C2750804, MONDO:0013170, OMIM 613177. Disease mechanism: loss of function.

Allele frequency attached by ClinVar (database versions not stated): gnomAD exomes 0.00192; ExAC 0.00265; ESP Exome Variant Server 0.00896; gnomAD 0.00898 and 0.00961; 1000 Genomes Project 30x 0.00968; TOPMed 0.00991; 1000 Genomes Project 0.00998.
gnomAD v4.1: 2,553 of 1,611,810 alleles (0.16%); highest among the groups gnomAD compares: African/African-American, 3.1%; 32 homozygotes.

Submissions (15):

Labcorp Genetics (formerly Invitae), Labcorp
Classification: Benign. Last evaluated: 2026-01-31. Review status: criteria provided, single submitter. Criteria: Invitae Variant Classification Sherloc (09022015). Collection method: clinical testing. Allele origin: germline.

Illumina Laboratory Services, Illumina
Classification: Benign for Cutis laxa with severe pulmonary, gastrointestinal and urinary anomalies. Last evaluated: 2018-01-13. Review status: criteria provided, single submitter. Criteria: ICSL Variant Classification Criteria 13 December 2019. Collection method: clinical testing. Allele origin: germline.
Comment: This variant was observed in the ICSL laboratory as part of a predisposition screen in an ostensibly healthy population. It had not been previously curated by ICSL or reported in the Human Gene Mutation Database (HGMD: prior to June 1st, 2018), and was therefore a candidate for classification through an automated scoring system. Utilizing variant allele frequency, disease prevalence and penetrance estimates, and inheritance mode, an automated score was calculated to assess if this variant is too frequent to cause the disease. Based on the score and internal cut-off values, a variant classified as benign is not then subjected to further curation. The score for this variant resulted in a classification of benign for this disease.

GeneDx
Classification: Benign. Last evaluated: 2016-11-25. Review status: criteria provided, single submitter. Criteria: GeneDx Variant Classification (06012015). Collection method: clinical testing. Allele origin: germline. Affected: yes.
Comment: This variant is considered likely benign or benign based on one or more of the following criteria: it is a conservative change, it occurs at a poorly conserved position in the protein, it is predicted to be benign by multiple in silico algorithms, and/or has population frequency not consistent with disease.

Laboratory for Molecular Medicine, Mass General Brigham Personalized Medicine
Classification: Benign. Last evaluated: 2013-02-21. Review status: criteria provided, single submitter. Criteria: LMM Criteria. Collection method: clinical testing. Allele origin: germline. Observed: 1 variant allele.
Comment: Cys792Cys in exon 17 of LTBP4: This variant is not expected to have clinical sig nificance because it does not alter an amino acid residue and is not located wit hin the splice consensus sequence. It has been identified in 2.7% (112/4186) of African American chromosomes from a broad population by the NHLBI Exome Sequenci ng Project (dbSNP rs141810975).

PreventionGenetics, part of Exact Sciences
Classification: Benign for LTBP4-related condition. Last evaluated: 2019-10-16. Review status: no assertion criteria provided. Collection method: clinical testing. Allele origin: germline. Not counted in ClinVar's aggregate classification.
Comment: This variant is classified as benign based on ACMG/AMP sequence variant interpretation guidelines (Richards et al. 2015 PMID: 25741868, with internal and published modifications).

Dr. Peter K. Rogan Lab, Western University
No classification provided (evidence only). Condition: Familial cancer of breast. Review status: no classification provided. Collection method: in vitro. Allele origin: not applicable. Functional consequence: retained intron. Not counted in ClinVar's aggregate classification.

Dr. Peter K. Rogan Lab, Western University
No classification provided (evidence only). Condition: Familial cancer of breast. Review status: no classification provided. Collection method: in vitro. Allele origin: not applicable. Functional consequence: retained intron. Not counted in ClinVar's aggregate classification.

Dr. Peter K. Rogan Lab, Western University
No classification provided (evidence only). Condition: Familial cancer of breast. Review status: no classification provided. Collection method: in vitro. Allele origin: not applicable. Functional consequence: retained intron. Not counted in ClinVar's aggregate classification.

Dr. Peter K. Rogan Lab, Western University
No classification provided (evidence only). Condition: Familial cancer of breast. Review status: no classification provided. Collection method: in vitro. Allele origin: not applicable. Functional consequence: retained intron. Not counted in ClinVar's aggregate classification.

Dr. Peter K. Rogan Lab, Western University
No classification provided (evidence only). Condition: Familial cancer of breast. Review status: no classification provided. Collection method: in vitro. Allele origin: not applicable. Functional consequence: retained intron. Not counted in ClinVar's aggregate classification.

Dr. Peter K. Rogan Lab, Western University
No classification provided (evidence only). Condition: Uterine corpus endometrial carcinoma. Review status: no classification provided. Collection method: in vitro. Allele origin: not applicable. Functional consequence: retained intron. Not counted in ClinVar's aggregate classification.

Dr. Peter K. Rogan Lab, Western University
No classification provided (evidence only). Condition: Uterine corpus endometrial carcinoma. Review status: no classification provided. Collection method: in vitro. Allele origin: not applicable. Functional consequence: retained intron. Not counted in ClinVar's aggregate classification.

Dr. Peter K. Rogan Lab, Western University
No classification provided (evidence only). Condition: Uterine corpus endometrial carcinoma. Review status: no classification provided. Collection method: in vitro. Allele origin: not applicable. Functional consequence: retained intron. Not counted in ClinVar's aggregate classification.

Dr. Peter K. Rogan Lab, Western University
No classification provided (evidence only). Condition: Cervical cancer. Review status: no classification provided. Collection method: in vitro. Allele origin: not applicable. Functional consequence: retained intron. Not counted in ClinVar's aggregate classification.

Dr. Peter K. Rogan Lab, Western University
No classification provided (evidence only). Condition: Cervical cancer. Review status: no classification provided. Collection method: in vitro. Allele origin: not applicable. Functional consequence: retained intron. Not counted in ClinVar's aggregate classification.